The following is an entry in ClinVar:

ClinVar aggregate classification (germline): Uncertain significance (1 of 4 stars; one submission).

Submission:

GeneDx
Classification: Uncertain significance. Last evaluated: 2025-07-03. Review status: criteria provided, single submitter. Criteria: GeneDx Variant Classification Process June 2021. Collection method: clinical testing. Allele origin: germline. Affected: yes.
Comment: Not observed at significant frequency in large population cohorts (gnomAD); In silico analysis supports that this missense variant has a deleterious effect on protein structure/function; Has not been previously published as pathogenic or benign to our knowledge

NM_001367943.1(TCF7L2):c.1384A>G (p.Lys462Glu)

Gene: TCF7L2 (transcription factor 7 like 2; plus strand). Cytogenetic location: 10q25.3.
Variant type: single nucleotide variant.
Coding change: c.1384A>G on transcript NM_001367943.1 (MANE Select); coding-DNA position 1384, A replaced by G.
Protein change: p.Lys462Glu; replaces lysine 462 with glutamic acid.
Molecular consequence: missense variant. On other transcripts: intron variant (9).
Genome position (GRCh38, 1-based): chr10:113,159,934, A>G. VCF-style: chr10-113159934-A-G. GRCh37 (hg19) VCF-style: chr10-114919693-A-G.
Other names: c.1264A>G, p.Lys422Glu (NM_001146285.2); c.1330A>G, p.Lys444Glu (NM_001198525.2); c.1303A>G, p.Lys435Glu (NM_001198527.2); c.1315A>G, p.Lys439Glu (NM_001198528.2, NM_030756.5); c.955A>G, p.Lys319Glu (NM_001349870.2); c.835A>G, p.Lys279Glu (NM_001349871.1); c.1369+1217A>G (NM_001363501.2); c.1319-685A>G (NM_001146274.2); and 7 more; short protein forms K279E, K319E, K422E, K435E, K439E, K444E, K462E.
Identifiers: ClinVar variation 4681160 (VCV004681160.1).